The following is an entry in ClinVar:

NC_000009.11:g.(?_6589175)_(6645499_?)del

Gene: GLDC (glycine decarboxylase; minus strand). Cytogenetic location: 9p24.1.
Variant type: Deletion.
Identifiers: ClinVar variation 3245140 (VCV003245140.1).

ClinVar aggregate classification (germline): Pathogenic (1 of 4 stars; one submission).

Conditions:
Glycine encephalopathy. Also called: Nonketotic hyperglycinemia; Non-ketotic hyperglycinemia. Identifiers: Orphanet 407, MedGen C0751748, MONDO:0011612, HP:0008288.

Submission:

Labcorp Genetics (formerly Invitae), Labcorp
Classification: Pathogenic for Glycine encephalopathy. Last evaluated: 2023-01-08. Review status: criteria provided, single submitter. Criteria: Invitae Variant Classification Sherloc (09022015). Collection method: clinical testing. Allele origin: unknown.
Comment: For these reasons, this variant has been classified as Pathogenic. This variant has not been reported in the literature in individuals affected with GLDC-related conditions. This variant is a gross deletion of the genomic region encompassing exon(s) 1-12 of the GLDC gene, which includes the initiator codon. This deletion extends beyond the assayed region for this gene and therefore may encompass additional genes. It is expected to result in an absent or disrupted protein product. Loss-of-function variants in GLDC are known to be pathogenic (PMID: 16601880).

Literature cited by the submitters: PubMed 16601880.